The following is an entry in ClinVar:

NM_033028.5(BBS4):c.1348A>C (p.Thr450Pro)

Gene: BBS4 (Bardet-Biedl syndrome 4; plus strand). Cytogenetic location: 15q24.1.
Variant type: single nucleotide variant.
Coding change: c.1348A>C on transcript NM_033028.5 (MANE Select); coding-DNA position 1348, A replaced by C.
Protein change: p.Thr450Pro; replaces threonine 450 with proline.
Molecular consequence: missense variant. On other transcripts: non-coding transcript variant (2).
Genome position (GRCh38, 1-based): chr15:72,736,861, A>C. VCF-style: chr15-72736861-A-C. GRCh37 (hg19) VCF-style: chr15-73029202-A-C.
Other names: c.832A>C, p.Thr278Pro (NM_001252678.2); c.1279A>C, p.Thr427Pro (NM_001320665.2); short protein forms T450P, T278P, T427P.
Identifiers: ClinVar variation 664306 (VCV000664306.8), dbSNP rs749034070, ClinGen allele CA7647003.

ClinVar aggregate classification (germline): Uncertain significance. Review status: criteria provided, multiple submitters, no conflicts (2 of 4 stars). 3 submissions from 3 submitters: Uncertain significance (3). Last evaluated 2026-08-03.

Conditions:
BBS4-related disorder. Also called: BBS4-related condition.
Bardet-Biedl syndrome (BBS). Identifiers: Orphanet 110, MedGen C0752166, MONDO:0015229.
Bardet-Biedl syndrome 4 (BBS4). Identifiers: Orphanet 110, MedGen C2936864, MONDO:0014433, OMIM 615982.

Allele frequency attached by ClinVar (database versions not stated): ExAC 0.00001; gnomAD exomes 0.00001.
gnomAD v4.1: 15 of 1,614,192 alleles (0.00093%); highest among the groups gnomAD compares: Middle Eastern, 0.033%; no homozygotes.

Submissions (3):

PreventionGenetics, part of Exact Sciences
Classification: Uncertain significance for BBS4-related condition. Last evaluated: 2026-08-03. Review status: criteria provided, single submitter. Criteria: ACMG Guidelines, 2015. Collection method: clinical testing. Allele origin: germline.
Comment: The BBS4 c.1348A>C variant is predicted to result in the amino acid substitution p.Thr450Pro. To our knowledge, this variant has not been reported in the literature. This variant is reported in 0.00088% of alleles in individuals of European (Non-Finnish) descent in gnomAD. At this time, the clinical significance of this variant is uncertain due to the absence of conclusive functional and genetic evidence.

Labcorp Genetics (formerly Invitae), Labcorp
Classification: Uncertain significance for Bardet-Biedl syndrome. Last evaluated: 2022-06-04. Review status: criteria provided, single submitter. Criteria: Invitae Variant Classification Sherloc (09022015). Collection method: clinical testing. Allele origin: germline.
Comment: This sequence change replaces threonine, which is neutral and polar, with proline, which is neutral and non-polar, at codon 450 of the BBS4 protein (p.Thr450Pro). This variant is present in population databases (rs749034070, gnomAD 0.004%). This variant has not been reported in the literature in individuals affected with BBS4-related conditions. ClinVar contains an entry for this variant (Variation ID: 664306). Algorithms developed to predict the effect of missense changes on protein structure and function output the following: SIFT: "Tolerated"; PolyPhen-2: "Benign"; Align-GVGD: "Class C0". The proline amino acid residue is found in multiple mammalian species, which suggests that this missense change does not adversely affect protein function. In summary, the available evidence is currently insufficient to determine the role of this variant in disease. Therefore, it has been classified as a Variant of Uncertain Significance.

Fulgent Genetics
Classification: Uncertain significance for Bardet-Biedl syndrome 4. Last evaluated: 2021-10-22. Review status: criteria provided, single submitter. Criteria: ACMG Guidelines, 2015. Collection method: clinical testing. Allele origin: unknown.